The following is an entry in ClinVar:

NC_000007.13:g.(?_98792673)_(98793809_?)del

Gene: KPNA7 (karyopherin subunit alpha 7; minus strand). Cytogenetic location: 7q22.1.
Variant type: Deletion.
Identifiers: ClinVar variation 1410283 (VCV001410283.6).

ClinVar aggregate classification (germline): Uncertain significance (1 of 4 stars; one submission).

Submission:

Labcorp Genetics (formerly Invitae), Labcorp
Classification: Uncertain significance. Last evaluated: 2023-10-17. Review status: criteria provided, single submitter. Criteria: Invitae Variant Classification Sherloc (09022015). Collection method: clinical testing. Allele origin: germline.
Comment: This variant is a gross deletion of the genomic region encompassing exon(s) 3-4 of the KPNA7 gene. This deletion is out-of-frame, and is expected to create a premature translational stop signal and result in an absent or disrupted protein product. However, the current clinical and genetic evidence is not sufficient to establish whether loss-of-function variants in KPNA7 cause disease. This variant has not been reported in the literature in individuals affected with KPNA7-related conditions. In summary, the available evidence is currently insufficient to determine the role of this variant in disease. Therefore, it has been classified as a Variant of Uncertain Significance.